The following is an entry in ClinVar:

NM_004484.4(GPC3):c.1568T>C (p.Leu523Pro)

Gene: GPC3 (glypican 3; minus strand). Cytogenetic location: Xq26.2.
Variant type: single nucleotide variant.
Coding change: c.1568T>C on transcript NM_004484.4 (MANE Select); coding-DNA position 1568, T replaced by C.
Protein change: p.Leu523Pro; replaces leucine 523 with proline.
Molecular consequence: missense variant.
Genome position (GRCh38, 1-based): chrX:133,596,445, A>G on the plus strand (T>C on the coding strand, the complement: GPC3 is on the minus strand). VCF-style: chrX-133596445-A-G. GRCh37 (hg19) VCF-style: chrX-132730473-A-G.
Other names: c.1637T>C, p.Leu546Pro (NM_001164617.2); c.1520T>C, p.Leu507Pro (NM_001164618.2); c.1406T>C, p.Leu469Pro (NM_001164619.2); short protein forms L523P, L546P, L469P, L507P.
Identifiers: ClinVar variation 543089 (VCV000543089.11), dbSNP rs1015207544, ClinGen allele CA335970529.
Genomic context (GRCh38, chrX:133,596,445, plus strand): 5'-AATTCCTGAGCATCACCATTTTTAGATTACATTTGGGTCAGCACTAATCAGTTACCTGCA[A>G]GGAAGCGGAGCTGATTCTTCACTTTTATCATTCCATCACCAGAGCCTCCAATGCACTCAT-3'
Protein context (NP_004475.1, residues 513-533): MIKVKNQLRF[Leu523Pro]AELAYDLDVD

ClinVar aggregate classification (germline): Uncertain significance. Review status: criteria provided, multiple submitters, no conflicts (2 of 4 stars). 2 submissions from 2 submitters: Uncertain significance (2). Last evaluated 2024-02-29.

Conditions:
Wilms tumor 1 (WT1). Also called: Wilms tumor, somatic. Identifiers: Orphanet 654, MedGen CN033288, MONDO:0008679, OMIM 194070.
Simpson-Golabi-Behmel syndrome type 1 (SGBS1). Also called: GPC3-Related Simpson-Golabi-Behmel Syndrome Type 1; BULLDOG SYNDROME; DYSPLASIA GIGANTISM SYNDROME, X-LINKED; GOLABI-ROSEN SYNDROME; SIMPSON DYSMORPHIA SYNDROME. Identifiers: Orphanet 373, MedGen C0796154, MONDO:0020602, OMIM 312870.

Allele frequency attached by ClinVar (database versions not stated): gnomAD 0.00001 and 0.00002; gnomAD exomes 0.00001; TOPMed 0.00002.
gnomAD v4.1: 8 of 1,206,276 alleles (0.00066%); highest among the groups gnomAD compares: Non-Finnish European, 0.0009%; no homozygotes.

Submissions (2):

Labcorp Genetics (formerly Invitae), Labcorp
Classification: Uncertain significance for Wilms tumor 1. Last evaluated: 2024-02-29. Review status: criteria provided, single submitter. Criteria: Invitae Variant Classification Sherloc (09022015). Collection method: clinical testing. Allele origin: germline.
Comment: This sequence change replaces leucine, which is neutral and non-polar, with proline, which is neutral and non-polar, at codon 523 of the GPC3 protein (p.Leu523Pro). This variant is present in population databases (no rsID available, gnomAD 0.009%), including at least one homozygous and/or hemizygous individual. This variant has not been reported in the literature in individuals affected with GPC3-related conditions. ClinVar contains an entry for this variant (Variation ID: 543089). An algorithm developed to predict the effect of missense changes on protein structure and function (PolyPhen-2) suggests that this variant is likely to be disruptive. In summary, the available evidence is currently insufficient to determine the role of this variant in disease. Therefore, it has been classified as a Variant of Uncertain Significance.

Fulgent Genetics
Classification: Uncertain significance for Wilms tumor 1; Simpson-Golabi-Behmel syndrome type 1. Last evaluated: 2022-02-04. Review status: criteria provided, single submitter. Criteria: ACMG Guidelines, 2015. Collection method: clinical testing. Allele origin: unknown.